The following is an entry in ClinVar:

NM_020693.4(DSCAML1):c.4970T>C (p.Ile1657Thr)

Gene: DSCAML1 (DS cell adhesion molecule like 1; minus strand). Cytogenetic location: 11q23.3.
Variant type: single nucleotide variant.
Coding change: c.4970T>C on transcript NM_020693.4 (MANE Select); coding-DNA position 4970, T replaced by C.
Protein change: p.Ile1657Thr; replaces isoleucine 1657 with threonine.
Molecular consequence: missense variant.
Genome position (GRCh38, 1-based): chr11:117,433,194, A>G on the plus strand (T>C on the coding strand, the complement: DSCAML1 is on the minus strand). VCF-style: chr11-117433194-A-G. GRCh37 (hg19) VCF-style: chr11-117303910-A-G.
Other names: short protein forms I1657T.
Identifiers: ClinVar variation 2053857 (VCV002053857.4), dbSNP rs1178240428, ClinGen allele CA382756261.

ClinVar aggregate classification (germline): Uncertain significance (1 of 4 stars; one submission).

Allele frequency attached by ClinVar (database versions not stated): gnomAD exomes below 0.00001; TOPMed below 0.00001.
gnomAD v4.1: 1 of 1,614,096 alleles (0.000062%); highest among the groups gnomAD compares: Admixed American, 0.0017%; no homozygotes.

Submission:

Labcorp Genetics (formerly Invitae), Labcorp
Classification: Uncertain significance. Last evaluated: 2025-01-20. Review status: criteria provided, single submitter. Criteria: Invitae Variant Classification Sherloc (09022015). Collection method: clinical testing. Allele origin: germline.
Comment: This sequence change replaces isoleucine, which is neutral and non-polar, with threonine, which is neutral and polar, at codon 1717 of the DSCAML1 protein (p.Ile1717Thr). This variant is present in population databases (no rsID available, gnomAD 0.003%). This variant has not been reported in the literature in individuals affected with DSCAML1-related conditions. ClinVar contains an entry for this variant (Variation ID: 2053857). An algorithm developed to predict the effect of missense changes on protein structure and function (PolyPhen-2) suggests that this variant is likely to be disruptive. In summary, the available evidence is currently insufficient to determine the role of this variant in disease. Therefore, it has been classified as a Variant of Uncertain Significance.